The following is an entry in ClinVar:

ClinVar aggregate classification (germline): Conflicting classifications of pathogenicity. Review status: criteria provided, conflicting classifications (1 of 4 stars). 3 submissions from 3 submitters: Uncertain significance (1); Benign (2). Last evaluated 2026-01-11.

Conditions:
Dystonia 28, childhood-onset (DYT28). Also called: KMT2B-Related Dystonia (DYT-KMT2B). Identifiers: Orphanet 589618, MedGen C4310633, MONDO:0015004, OMIM 617284.

Allele frequency attached by ClinVar (database versions not stated): ESP Exome Variant Server 0.00008; TOPMed 0.00052; gnomAD exomes 0.00063 and 0.00080; ExAC 0.00098; 1000 Genomes Project 30x 0.00328; 1000 Genomes Project 0.00339.
gnomAD v4.1: 1,016 of 1,610,636 alleles (0.063%); highest among the groups gnomAD compares: East Asian, 1.8%; 14 homozygotes.

Submissions (3):

Labcorp Genetics (formerly Invitae), Labcorp
Classification: Benign. Last evaluated: 2026-01-11. Review status: criteria provided, single submitter. Criteria: Invitae Variant Classification Sherloc (09022015). Collection method: clinical testing. Allele origin: germline.

CeGaT Center for Human Genetics Tuebingen
Classification: Benign. Last evaluated: 2025-12-01. Review status: criteria provided, single submitter. Criteria: CeGaT Center For Human Genetics Tuebingen Variant Classification Criteria Version 2. Collection method: clinical testing. Allele origin: germline. Affected: yes. Observed: 4 variant alleles.
Comment: KMT2B: BS1, BS2

Department of Neurology, Xijing Hospital, Fourth Military Medical University
Classification: Uncertain significance for Dystonia 28, childhood-onset. Last evaluated: 2022-03-01. Review status: criteria provided, single submitter. Criteria: ACMG Guidelines, 2015. Collection method: clinical testing. Allele origin: germline.

NM_014727.3(KMT2B):c.1760C>G (p.Pro587Arg)

Gene: KMT2B (lysine methyltransferase 2B; plus strand). Cytogenetic location: 19q13.12.
Variant type: single nucleotide variant.
Coding change: c.1760C>G on transcript NM_014727.3 (MANE Select); coding-DNA position 1760, C replaced by G.
Protein change: p.Pro587Arg; replaces proline 587 with arginine.
Molecular consequence: missense variant.
Genome position (GRCh38, 1-based): chr19:35,721,107, C>G. VCF-style: chr19-35721107-C-G. GRCh37 (hg19) VCF-style: chr19-36212009-C-G.
Other names: short protein forms P587R.
Identifiers: ClinVar variation 871235 (VCV000871235.58), dbSNP rs2242519, ClinGen allele CA9384290.